The following is an entry in ClinVar:

NM_001281775.3(ZMYND8):c.2285-3T>C

Gene: ZMYND8 (zinc finger MYND-type containing 8; minus strand). Cytogenetic location: 20q13.12.
Variant type: single nucleotide variant.
Coding change: c.2285-3T>C on transcript NM_001281775.3 (MANE Select); 3 bases into the intron before coding-DNA position 2285, T replaced by C.
Molecular consequence: intron variant.
Genome position (GRCh38, 1-based): chr20:47,239,141, A>G on the plus strand (T>C on the coding strand, the complement: ZMYND8 is on the minus strand). VCF-style: chr20-47239141-A-G. GRCh37 (hg19) VCF-style: chr20-45867885-A-G.
Other names: c.2069-3T>C (NM_001281781.3, NM_001281784.3); c.2210-2625T>C (NM_001281771.3); c.2210-3T>C (NM_001281782.3, NM_183048.4, NM_001281777.3 and 1 more transcripts); c.2285-2625T>C (NM_001281776.3); c.2285-3T>C (NM_012408.6, NM_183047.4, NM_001281783.3); c.1481-3T>C (NM_001281780.3, NM_001281779.3); c.2225-3T>C (NM_001281774.3, NM_001281773.3, NM_001281772.3 and 1 more transcripts); c.2306-3T>C (NM_001363714.1).
Identifiers: ClinVar variation 1690418 (VCV001690418.2), dbSNP rs2147190350, ClinGen allele CA2573157156.

ClinVar aggregate classification (germline): Uncertain significance (1 of 4 stars; one submission).

Submission:

Laboratorio de Genetica e Diagnostico Molecular, Hospital Israelita Albert Einstein
Classification: Uncertain significance. Last evaluated: 2021-07-29. Review status: criteria provided, single submitter. Criteria: ACMG Guidelines, 2015. Collection method: clinical testing. Allele origin: germline. Affected: yes.
Comment: ACMG classification criteria: PM2